The following is an entry in ClinVar:

ClinVar aggregate classification (germline): Pathogenic (1 of 4 stars; one submission).

Submission:

GeneDx
Classification: Pathogenic. Last evaluated: 2022-04-22. Review status: criteria provided, single submitter. Criteria: GeneDx Variant Classification Process June 2021. Collection method: clinical testing. Allele origin: germline. Affected: yes.
Comment: Nonsense variant predicted to result in protein truncation or nonsense mediated decay in a gene for which loss-of-function is a known mechanism of disease; Not observed in large population cohorts (gnomAD); Has not been previously published as pathogenic or benign to our knowledge

NM_015335.5(MED13L):c.1318C>T (p.Arg440Ter)

Gene: MED13L (mediator complex subunit 13L; minus strand). Cytogenetic location: 12q24.21.
Variant type: single nucleotide variant.
Coding change: c.1318C>T on transcript NM_015335.5 (MANE Select); coding-DNA position 1318, C replaced by T.
Protein change: p.Arg440Ter; replaces arginine 440 with a stop codon.
Molecular consequence: nonsense.
Genome position (GRCh38, 1-based): chr12:116,009,095, G>A on the plus strand (C>T on the coding strand, the complement: MED13L is on the minus strand). VCF-style: chr12-116009095-G-A. GRCh37 (hg19) VCF-style: chr12-116446900-G-A.
Other names: short protein forms R440*.
Identifiers: ClinVar variation 1678862 (VCV001678862.2), dbSNP rs1205283728, ClinGen allele CA386897087.